The following is an entry in ClinVar:

NM_000268.4(NF2):c.1263G>C (p.Glu421Asp)

Gene: NF2 (NF2, moesin-ezrin-radixin like (MERLIN) tumor suppressor; plus strand). Cytogenetic location: 22q12.2.
Variant type: single nucleotide variant.
Coding change: c.1263G>C on transcript NM_000268.4 (MANE Select); coding-DNA position 1263, G replaced by C.
Protein change: p.Glu421Asp; replaces glutamic acid 421 with aspartic acid.
Molecular consequence: missense variant. On other transcripts: non-coding transcript variant (1), intron variant (1).
Genome position (GRCh38, 1-based): chr22:29,673,409, G>C. VCF-style: chr22-29673409-G-C. GRCh37 (hg19) VCF-style: chr22-30069398-G-C.
Other names: c.1263G>C, p.Glu421Asp (NM_016418.5, NM_181825.3, NM_181832.3); c.1137G>C, p.Glu379Asp (NM_181828.3); c.1140G>C, p.Glu380Asp (NM_181829.3); c.1014G>C, p.Glu338Asp (NM_181830.3, NM_181831.3); c.448-21343G>C (NM_181833.3); c.1263G>C (NM_000268.3); short protein forms E338D, E379D, E380D, E421D.
Identifiers: ClinVar variation 1481390 (VCV001481390.9), dbSNP rs2147083348, ClinGen allele CA411148364.
Genomic context (GRCh38, chr22:29,673,409, plus strand): 5'-GGCCGCAGAGGCTGAGCAGGAAATGCAGCGCATCAAGGCCACAGCGATTCGCACGGAGGA[G>C]GAGAAGCGCCTGATGGAGCAGAAGGTGCTGGAAGCCGAGGTGCTGGCACTGAAGATGGCT-3'
Protein context (NP_000259.1, residues 411-431): RIKATAIRTE[Glu421Asp]EKRLMEQKVL

ClinVar aggregate classification (germline): Uncertain significance. Review status: criteria provided, multiple submitters, no conflicts (2 of 4 stars). 2 submissions from 2 submitters: Uncertain significance (2). Last evaluated 2025-11-19.

Conditions:
Hereditary cancer-predisposing syndrome. Also called: Tumor predisposition; Neoplastic Syndromes, Hereditary; Hereditary Cancer Syndrome; Hereditary neoplastic syndrome. Identifiers: Orphanet 140162, MedGen C0027672, MeSH D009386, MONDO:0015356.
Neurofibromatosis, type 2 (SWNV). Also called: BILATERAL ACOUSTIC NEUROFIBROMATOSIS; SCHWANNOMATOSIS, VESTIBULAR; NF2-Related Schwannomatosis. Identifiers: Orphanet 637, MedGen C0027832, MONDO:0007039, OMIM 101000. Disease mechanism: loss of function.

Submissions (2):

Ambry Genetics
Classification: Uncertain significance for Hereditary cancer-predisposing syndrome. Last evaluated: 2025-11-19. Review status: criteria provided, single submitter. Criteria: Ambry Variant Classification Scheme 2023. Collection method: clinical testing. Allele origin: germline.
Comment: The p.E421D variant (also known as c.1263G>C), located in coding exon 12 of the NF2 gene, results from a G to C substitution at nucleotide position 1263. The glutamic acid at codon 421 is replaced by aspartic acid, an amino acid with highly similar properties. This amino acid position is highly conserved in available vertebrate species. In addition, the in silico prediction for this alteration is inconclusive. Based on the available evidence, the clinical significance of this variant remains unclear.

Labcorp Genetics (formerly Invitae), Labcorp
Classification: Uncertain significance for Neurofibromatosis, type 2. Last evaluated: 2021-02-16. Review status: criteria provided, single submitter. Criteria: Invitae Variant Classification Sherloc (09022015). Collection method: clinical testing. Allele origin: germline.
Comment: This variant has not been reported in the literature in individuals with NF2-related disease. Algorithms developed to predict the effect of missense changes on protein structure and function (SIFT, PolyPhen-2, Align-GVGD) all suggest that this variant is likely to be tolerated, but these predictions have not been confirmed by published functional studies and their clinical significance is uncertain. In summary, the available evidence is currently insufficient to determine the role of this variant in disease. Therefore, it has been classified as a Variant of Uncertain Significance. This variant is not present in population databases (ExAC no frequency). This sequence change replaces glutamic acid with aspartic acid at codon 421 of the NF2 protein (p.Glu421Asp). The glutamic acid residue is highly conserved and there is a small physicochemical difference between glutamic acid and aspartic acid.